The following is an entry in ClinVar:

NM_000404.4(GLB1):c.397G>T (p.Gly133Ter)

Gene: GLB1 (galactosidase beta 1; minus strand). Cytogenetic location: 3p22.3.
Variant type: single nucleotide variant.
Coding change: c.397G>T on transcript NM_000404.4 (MANE Select); coding-DNA position 397, G replaced by T.
Protein change: p.Gly133Ter; replaces glycine 133 with a stop codon.
Molecular consequence: nonsense. On other transcripts: intron variant (1).
Genome position (GRCh38, 1-based): chr3:33,068,290, C>A on the plus strand (G>T on the coding strand, the complement: GLB1 is on the minus strand). VCF-style: chr3-33068290-C-A. GRCh37 (hg19) VCF-style: chr3-33109782-C-A.
Other names: c.307G>T, p.Gly103Ter (NM_001079811.3); c.541G>T, p.Gly181Ter (NM_001317040.2); c.397G>T, p.Gly133Ter (NM_001393580.1); c.246-2733G>T (NM_001135602.3); short protein forms G133*, G181*, G103*.
Identifiers: ClinVar variation 1452262 (VCV001452262.6), dbSNP rs2125547910, ClinGen allele CA351994330.

ClinVar aggregate classification (germline): Pathogenic (1 of 4 stars; one submission).

Conditions:
GM1 gangliosidosis. Identifiers: Orphanet 354, MedGen C0085131, MONDO:0018149.
Mucopolysaccharidosis, MPS-IV-B (MPS4B). Also called: MORQUIO SYNDROME B; Mucopolysaccharidosis Type IVB (Morquio B Disease); Mucopolysaccharidosis type 4B; Mucopolysaccharidosis type IVB (Morquio); MPS IVB; Mucopolysaccharidosis type IV B. Identifiers: Orphanet 309310, Orphanet 582, MedGen C0086652, MONDO:0009660, OMIM 253010.

gnomAD v4.1: 1 of 1,614,008 alleles (0.000062%); no homozygotes.

Submission:

Labcorp Genetics (formerly Invitae), Labcorp
Classification: Pathogenic for Mucopolysaccharidosis, MPS-IV-B; GM1 gangliosidosis. Last evaluated: 2021-05-13. Review status: criteria provided, single submitter. Criteria: Invitae Variant Classification Sherloc (09022015). Collection method: clinical testing. Allele origin: germline.
Comment: For these reasons, this variant has been classified as Pathogenic. Algorithms developed to predict the effect of sequence changes on RNA splicing suggest that this variant may disrupt the consensus splice site, but this prediction has not been confirmed by published transcriptional studies. This variant has not been reported in the literature in individuals with GLB1-related conditions. This variant is not present in population databases (ExAC no frequency). This sequence change creates a premature translational stop signal (p.Gly133*) in the GLB1 gene. It is expected to result in an absent or disrupted protein product. Loss-of-function variants in GLB1 are known to be pathogenic (PMID: 18524657).

Literature cited by the submitters: PubMed 18524657.